The following is an entry in ClinVar:

NM_017433.5(MYO3A):c.4350T>C (p.Ile1450=)

Gene: MYO3A (myosin IIIA; plus strand). Cytogenetic location: 10p12.1.
Variant type: single nucleotide variant.
Coding change: c.4350T>C on transcript NM_017433.5 (MANE Select); coding-DNA position 4350, T replaced by C.
Protein change: p.Ile1450=; no amino-acid change (isoleucine 1450 retained).
Molecular consequence: synonymous variant.
Genome position (GRCh38, 1-based): chr10:26,176,757, T>C. VCF-style: chr10-26176757-T-C. GRCh37 (hg19) VCF-style: chr10-26465686-T-C.
Identifiers: ClinVar variation 45814 (VCV000045814.6), dbSNP rs397517294, ClinGen allele CA137089.

ClinVar aggregate classification (germline): Likely benign. Review status: criteria provided, multiple submitters, no conflicts (2 of 4 stars). 2 submissions from 2 submitters: Likely benign (2). Last evaluated 2025-11-27.

Allele frequency attached by ClinVar (database versions not stated): ExAC 0.00002; gnomAD exomes 0.00002; TOPMed 0.00002; gnomAD 0.00003 and 0.00004.
gnomAD v4.1: 37 of 1,612,254 alleles (0.0023%); highest among the groups gnomAD compares: Admixed American, 0.0083%; no homozygotes.

Submissions (2):

Labcorp Genetics (formerly Invitae), Labcorp
Classification: Likely benign. Last evaluated: 2025-11-27. Review status: criteria provided, single submitter. Criteria: Invitae Variant Classification Sherloc (09022015). Collection method: clinical testing. Allele origin: germline.

Laboratory for Molecular Medicine, Mass General Brigham Personalized Medicine
Classification: Likely benign. Last evaluated: 2013-01-17. Review status: criteria provided, single submitter. Criteria: LMM Criteria. Collection method: clinical testing. Allele origin: germline. Observed: 1 variant allele.
Comment: Ile1450Ile in exon 31 of MYO3A: This variant is not expected to have clinical si gnificance because it does not alter an amino acid residue and it is not located within the splice consensus sequence.